The following is an entry in ClinVar:

NM_000089.4(COL1A2):c.430G>A (p.Asp144Asn)

Gene: COL1A2 (collagen type I alpha 2 chain; plus strand). Cytogenetic location: 7q21.3.
Variant type: single nucleotide variant.
Coding change: c.430G>A on transcript NM_000089.4 (MANE Select); coding-DNA position 430, G replaced by A.
Protein change: p.Asp144Asn; replaces aspartic acid 144 with asparagine.
Molecular consequence: missense variant.
Genome position (GRCh38, 1-based): chr7:94,404,890, G>A. VCF-style: chr7-94404890-G-A. GRCh37 (hg19) VCF-style: chr7-94034202-G-A.
Other names: short protein forms D144N.
Identifiers: ClinVar variation 456839 (VCV000456839.10), dbSNP rs981008420, ClinGen allele CA162914477.

ClinVar aggregate classification (germline): Uncertain significance (1 of 4 stars; one submission).

Conditions:
Ehlers-Danlos syndrome, classic type, 1 (EDSCL1). Also called: EHLERS-DANLOS SYNDROME, GRAVIS TYPE; EHLERS-DANLOS SYNDROME, SEVERE CLASSIC TYPE; EDS I; Ehlers-Danlos Syndrome, Classic Type, COL5A1-Related; Ehlers-Danlos syndrome, type 1. Identifiers: MedGen C0268335, MONDO:0019567, OMIM 130000.
Osteogenesis imperfecta type I (OI1). Also called: OI, TYPE I; OSTEOGENESIS IMPERFECTA TARDA; OSTEOGENESIS IMPERFECTA WITH BLUE SCLERAE; Classic Non-deforming Osteogenesis Imperfecta with Blue Sclerae; Lobstein disease; Osteogenesis imperfecta type 1. Identifiers: Orphanet 216796, Orphanet 666, MedGen C0023931, MONDO:0008146, OMIM 166200. Disease mechanism: loss of function.

Allele frequency attached by ClinVar (database versions not stated): gnomAD exomes below 0.00001; gnomAD 0.00002; TOPMed 0.00002.

Submission:

Labcorp Genetics (formerly Invitae), Labcorp
Classification: Uncertain significance for Osteogenesis imperfecta type I; Ehlers-Danlos syndrome, classic type, 1. Last evaluated: 2023-11-15. Review status: criteria provided, single submitter. Criteria: Invitae Variant Classification Sherloc (09022015). Collection method: clinical testing. Allele origin: germline.
Comment: This sequence change replaces aspartic acid, which is acidic and polar, with asparagine, which is neutral and polar, at codon 144 of the COL1A2 protein (p.Asp144Asn). This variant is present in population databases (no rsID available, gnomAD 0.01%). This missense change has been observed in individual(s) with clinical features of COL1A2-related conditions (Invitae). ClinVar contains an entry for this variant (Variation ID: 456839). Experimental studies and prediction algorithms are not available or were not evaluated, and the functional significance of this variant is currently unknown. In summary, the available evidence is currently insufficient to determine the role of this variant in disease. Therefore, it has been classified as a Variant of Uncertain Significance.